The following is an entry in ClinVar:

ClinVar aggregate classification (germline): Conflicting classifications of pathogenicity. Review status: criteria provided, conflicting classifications (1 of 4 stars). 2 submissions from 2 submitters: Uncertain significance (1); Benign (1). Last evaluated 2025-02-19.

Conditions:
Hereditary cancer-predisposing syndrome. Also called: Neoplastic Syndromes, Hereditary; Tumor predisposition; Hereditary Cancer Syndrome; Hereditary neoplastic syndrome. Identifiers: Orphanet 140162, MedGen C0027672, MeSH D009386, MONDO:0015356.
Breast-ovarian cancer, familial, susceptibility to, 3. Also called: RAD51C-Related Breast/Ovarian Cancer. Identifiers: Orphanet 145, MedGen C3150659, MONDO:0013253, OMIM 613399.

Submissions (2):

Myriad Genetics, Inc.
Classification: Benign for Breast-ovarian cancer, familial, susceptibility to, 3. Last evaluated: 2025-02-19. Review status: criteria provided, single submitter. Criteria: Myriad Autosomal Dominant, Autosomal Recessive and X-Linked Classification Criteria (2023). Collection method: clinical testing. Allele origin: unknown.
Comment: This variant is considered benign. This variant occurs in the non-coding 3' untranslated region of the gene, and is not expected to impact protein function.

Ambry Genetics
Classification: Uncertain significance for Hereditary cancer-predisposing syndrome. Last evaluated: 2015-04-16. Review status: criteria provided, single submitter. Criteria: Ambry Variant Classification Scheme 2023. Collection method: clinical testing. Allele origin: germline.
Comment: The c.*4A>G variant is located in the 3' untranslated region (3&rsquo; UTR) of the RAD51C gene. This variant results from an A to G substitution 4 nucleotides after the last translated codon. This variant was not reported in population based cohorts in the following databases: Database of Single Nucleotide Polymorphisms (dbSNP), NHLBI Exome Sequencing Project (ESP), and 1000 Genomes Project. In the ESP, this variant was not observed in 6503 samples (13006 alleles) with coverage at this position. To date, this alteration has been detected with an allele frequency of approximately 0.002% (greater than 65000 alleles tested) in our clinical cohort. This nucleotide position is moderately conserved in available vertebrate species. Since supporting evidence is limited at this time, the clinical significance of c.*4A>G remains unclear.

NM_058216.3(RAD51C):c.*4A>G

Gene: RAD51C (RAD51 paralog C; plus strand). Cytogenetic location: 17q22.
Variant type: single nucleotide variant.
Coding change: c.*4A>G on transcript NM_058216.3 (MANE Select); 4 bases downstream of the stop codon, A replaced by G.
Molecular consequence: 3 prime UTR variant. On other transcripts: non-coding transcript variant (1).
Genome position (GRCh38, 1-based): chr17:58,734,226, A>G. VCF-style: chr17-58734226-A-G. GRCh37 (hg19) VCF-style: chr17-56811587-A-G.
Identifiers: ClinVar variation 231251 (VCV000231251.6), dbSNP rs876659052, ClinGen allele CA10580766.